The following is an entry in ClinVar:

ClinVar aggregate classification (germline): Pathogenic (1 of 4 stars; one submission).

Conditions:
Neuromuscular disease caused by qualitative or quantitative defects of dysferlin. Also called: Qualitative or quantitative defects of dysferlin; Dysferlinopathy. Identifiers: Orphanet 207073, MedGen C2931687, MONDO:0016145.

Submission:

Labcorp Genetics (formerly Invitae), Labcorp
Classification: Pathogenic for Neuromuscular disease caused by qualitative or quantitative defects of dysferlin. Last evaluated: 2023-05-12. Review status: criteria provided, single submitter. Criteria: Invitae Variant Classification Sherloc (09022015). Collection method: clinical testing. Allele origin: germline.
Comment: This variant is not present in population databases (gnomAD no frequency). For these reasons, this variant has been classified as Pathogenic. ClinVar contains an entry for this variant (Variation ID: 1452519). This variant has not been reported in the literature in individuals affected with DYSF-related conditions. This sequence change creates a premature translational stop signal (p.Arg187Lysfs*24) in the DYSF gene. It is expected to result in an absent or disrupted protein product. Loss-of-function variants in DYSF are known to be pathogenic (PMID: 17698709, 20301480).

Literature cited by the submitters: PubMed 17698709; PubMed 20301480.

NM_001130987.2(DYSF):c.653dup (p.Arg219fs)

Gene: DYSF (dysferlin; plus strand). Cytogenetic location: 2p13.2.
Variant type: Duplication.
Coding change: c.653dup on transcript NM_001130987.2 (MANE Select); coding-DNA position 653, one base duplicated (C; older notation c.653dupC).
Protein change: p.Arg219fs; shifts the reading frame from arginine 219.
Molecular consequence: frameshift variant.
Genome position (GRCh38, 1-based): chr2:71,513,815, C duplicated; the last of 4 consecutive C bases (chr2:71,513,812-71,513,815); duplicating any one gives the same sequence. VCF-style (leftmost placement, unchanged base first): chr2-71513811-A-AC. GRCh37 (hg19) VCF-style: chr2-71740941-A-AC.
Other names: c.560dup, p.Arg188fs (NM_001130455.2, NM_001130983.2, NM_001130984.2 and 1 more transcripts); c.557dup, p.Arg187fs (NM_001130976.2, NM_001130977.2, NM_001130978.2 and 1 more transcripts); c.650dup, p.Arg218fs (NM_001130979.2, NM_001130980.2, NM_001130981.2); c.653dup, p.Arg219fs (NM_001130982.2, NM_001130985.2); short protein forms R219fs, R187fs, R188fs, R218fs.
Identifiers: ClinVar variation 1452519 (VCV001452519.6), dbSNP rs2152731820, ClinGen allele CA2573135842.